The following is an entry in ClinVar:

ClinVar aggregate classification (germline): Uncertain significance (1 of 4 stars; one submission).

Submission:

Labcorp Genetics (formerly Invitae), Labcorp
Classification: Uncertain significance. Last evaluated: 2024-06-18. Review status: criteria provided, single submitter. Criteria: Invitae Variant Classification Sherloc (09022015). Collection method: clinical testing. Allele origin: germline.
Comment: This sequence change replaces glutamic acid, which is acidic and polar, with lysine, which is basic and polar, at codon 87 of the YWHAG protein (p.Glu87Lys). This variant is not present in population databases (gnomAD no frequency). This variant has not been reported in the literature in individuals affected with YWHAG-related conditions. Advanced modeling of protein sequence and biophysical properties (such as structural, functional, and spatial information, amino acid conservation, physicochemical variation, residue mobility, and thermodynamic stability) performed at Invitae indicates that this missense variant is not expected to disrupt YWHAG protein function with a negative predictive value of 80%. In summary, the available evidence is currently insufficient to determine the role of this variant in disease. Therefore, it has been classified as a Variant of Uncertain Significance.

NM_012479.4(YWHAG):c.259G>A (p.Glu87Lys)

Gene: YWHAG (tyrosine 3-monooxygenase/tryptophan 5-monooxygenase activation protein gamma; minus strand). Cytogenetic location: 7q11.23.
Variant type: single nucleotide variant.
Coding change: c.259G>A on transcript NM_012479.4 (MANE Select); coding-DNA position 259, G replaced by A.
Protein change: p.Glu87Lys; replaces glutamic acid 87 with lysine.
Molecular consequence: missense variant.
Genome position (GRCh38, 1-based): chr7:76,330,062, C>T on the plus strand (G>A on the coding strand, the complement: YWHAG is on the minus strand). VCF-style: chr7-76330062-C-T. GRCh37 (hg19) VCF-style: chr7-75959379-C-T.
Other names: short protein forms E87K.
Identifiers: ClinVar variation 3656914 (VCV003656914.2).